The following is an entry in ClinVar:

ClinVar aggregate classification (germline): Uncertain significance (1 of 4 stars; one submission).

Submission:

Labcorp Genetics (formerly Invitae), Labcorp
Classification: Uncertain significance. Last evaluated: 2025-10-02. Review status: criteria provided, single submitter. Criteria: Invitae Variant Classification Sherloc (09022015). Collection method: clinical testing. Allele origin: germline.
Comment: This sequence change falls in intron 2 of the WNT10B gene. It does not directly change the encoded amino acid sequence of the WNT10B protein. This variant is not present in population databases (gnomAD no frequency). This variant has not been reported in the literature in individuals affected with WNT10B-related conditions. Algorithms developed to predict the effect of sequence changes on RNA splicing suggest that this variant may disrupt the consensus splice site. In summary, the available evidence is currently insufficient to determine the role of this variant in disease. Therefore, it has been classified as a Variant of Uncertain Significance.

NM_003394.4(WNT10B):c.75-12_75-10del

Gene: WNT10B (Wnt family member 10B; minus strand). Cytogenetic location: 12q13.12.
Variant type: Microsatellite.
Coding change: c.75-12_75-10del on transcript NM_003394.4 (MANE Select); 12 bases into the intron before coding-DNA position 75 through 10 bases into the intron before coding-DNA position 75, 3 bases deleted (CTT; older notation c.75-12_75-10delCTT).
Molecular consequence: intron variant.
Genome position (GRCh38, 1-based): chr12:48,970,361-48,970,363, AAG deleted on the plus strand (CTT on the coding strand, the reverse complement: WNT10B is on the minus strand); deleting any 3 consecutive bases within chr12:48,970,361-48,970,366 gives the same sequence; the c. name uses the placement nearest the transcript's 3' end. VCF-style (leftmost placement, unchanged base first): chr12-48970360-CAAG-C. GRCh37 (hg19) VCF-style: chr12-49364143-CAAG-C.
Identifiers: ClinVar variation 2807794 (VCV002807794.3), dbSNP rs2498939881, ClinGen allele CA2618597672.
Genomic context (GRCh38, chr12:48,970,360, plus strand): 5'-CAGCGGCGGCTCGCCAGGCAACTTCAGGCCCAGAATCTCATTGCTTAGAGCCCTGGGAAC[CAAG>C]AAGGCGTCTGGGGTCTGCGGTCCAGACCCCTCCAACTCTCCCCACCCCGGGTCGGTGTTT-3'